The following is an entry in ClinVar:

ClinVar aggregate classification (germline): Benign (1 of 4 stars; one submission).

Allele frequency attached by ClinVar (database versions not stated): 1000 Genomes Project 30x 0.53779; 1000 Genomes Project 0.54054; TOPMed 0.59749; gnomAD 0.61109 and 0.61208.
gnomAD v4.1: 93,297 of 152,116 alleles (61%); highest among the groups gnomAD compares: Non-Finnish European, 74%; 30,440 homozygotes.

Submission:

GeneDx
Classification: Benign. Last evaluated: 2018-06-14. Review status: criteria provided, single submitter. Criteria: GeneDx Variant Classification (06012015). Collection method: clinical testing. Allele origin: germline. Affected: yes.
Comment: This variant is considered likely benign or benign based on one or more of the following criteria: it is a conservative change, it occurs at a poorly conserved position in the protein, it is predicted to be benign by multiple in silico algorithms, and/or has population frequency not consistent with disease.

NM_000426.4(LAMA2):c.2750-196G>T

Gene: LAMA2 (laminin subunit alpha 2; plus strand). Cytogenetic location: 6q22.33.
Variant type: single nucleotide variant.
Coding change: c.2750-196G>T on transcript NM_000426.4 (MANE Select); 196 bases into the intron before coding-DNA position 2750, G replaced by T.
Molecular consequence: intron variant.
Genome position (GRCh38, 1-based): chr6:129,291,418, G>T. VCF-style: chr6-129291418-G-T. GRCh37 (hg19) VCF-style: chr6-129612563-G-T.
Other names: c.2750-196G>T (NM_001079823.2).
Identifiers: ClinVar variation 682909 (VCV000682909.1), dbSNP rs1015845, ClinGen allele CA146895336.
Genomic context (GRCh38, chr6:129,291,418, plus strand): 5'-GATGACATTAATATTTTAATGGCATATGATGGGCCAGACATGATGCTAAAGCCTTTATGT[G>T]AATTATCCCTACAGCTTGTAGAGTTGTTATAGGGATTAAATGATAGAATGCCTAACAGGG-3'